The following is an entry in ClinVar:

NM_022051.3(EGLN1):c.11A>G (p.Asp4Gly)

Gene: EGLN1 (egl-9 family hypoxia inducible factor 1; minus strand). Cytogenetic location: 1q42.2.
Variant type: single nucleotide variant.
Coding change: c.11A>G on transcript NM_022051.3 (MANE Select); coding-DNA position 11, A replaced by G.
Protein change: p.Asp4Gly; replaces aspartic acid 4 with glycine.
Molecular consequence: missense variant.
Genome position (GRCh38, 1-based): chr1:231,421,878, T>C on the plus strand (A>G on the coding strand, the complement: EGLN1 is on the minus strand). VCF-style: chr1-231421878-T-C. GRCh37 (hg19) VCF-style: chr1-231557624-T-C.
Other names: c.11A>G, p.Asp4Gly (NM_001377260.1, NM_001377261.1); short protein forms D4G.
Identifiers: ClinVar variation 1746996 (VCV001746996.3), dbSNP rs2527362444, ClinGen allele CA345239620.

ClinVar aggregate classification (germline): Uncertain significance (1 of 4 stars; one submission).

Submission:

Ambry Genetics
Classification: Uncertain significance. Last evaluated: 2023-09-14. Review status: criteria provided, single submitter. Criteria: Ambry Variant Classification Scheme 2023. Collection method: clinical testing. Allele origin: germline.
Comment: The p.D4G variant (also known as c.11A>G), located in coding exon 1 of the EGLN1 gene, results from an A to G substitution at nucleotide position 11. The aspartic acid at codon 4 is replaced by glycine, an amino acid with similar properties. This amino acid position is conserved. In addition, this alteration is predicted to be tolerated by in silico analysis. Since supporting evidence is limited at this time, the clinical significance of this alteration remains unclear.